The following is an entry in ClinVar:

NM_032119.4(ADGRV1):c.5282C>G (p.Ser1761Cys)

Gene: ADGRV1 (adhesion G protein-coupled receptor V1; plus strand). Cytogenetic location: 5q14.3.
Variant type: single nucleotide variant.
Coding change: c.5282C>G on transcript NM_032119.4 (MANE Select); coding-DNA position 5282, C replaced by G.
Protein change: p.Ser1761Cys; replaces serine 1761 with cysteine.
Molecular consequence: missense variant. On other transcripts: non-coding transcript variant (1).
Genome position (GRCh38, 1-based): chr5:90,675,414, C>G. VCF-style: chr5-90675414-C-G. GRCh37 (hg19) VCF-style: chr5-89971231-C-G.
Other names: short protein forms S1761C.
Identifiers: ClinVar variation 163574 (VCV000163574.24), dbSNP rs200392821, ClinGen allele CA176191.
Genomic context (GRCh38, chr5:90,675,414, plus strand): 5'-TATTGGTCATCCGTGCACAGGGACTTCTGGGAAGGGTGACTGCGGAATTTAGAACAGTGT[C>G]CTTGACAGCATTCAGTCCTGAGGATTACCAGGTAATTTACTCAGTCCTTTTGAAGTTGTA-3'
Protein context (NP_115495.3, residues 1751-1771): GRVTAEFRTV[Ser1761Cys]LTAFSPEDYQ

ClinVar aggregate classification (germline): Conflicting classifications of pathogenicity. Review status: criteria provided, conflicting classifications (1 of 4 stars). 7 submissions from 7 submitters: Uncertain significance (2); Likely benign (4). 1 of the submissions does not count toward it. Last evaluated 2025-12-24.

Conditions:
ADGRV1-related disorder. Also called: ADGRV1-related disorders; ADGRV1-related condition.
Usher syndrome type 2C. Also called: Usher syndrome, type 2B; USHER SYNDROME, TYPE IIC. Identifiers: Orphanet 231178, Orphanet 886, MedGen C2931213, MONDO:0011558, OMIM 605472.

Allele frequency attached by ClinVar (database versions not stated): gnomAD exomes 0.00006 and 0.00018; ExAC 0.00025; TOPMed 0.00062; gnomAD 0.00064 and 0.00067; ESP Exome Variant Server 0.00073; 1000 Genomes Project 30x 0.00078; 1000 Genomes Project 0.00100.
gnomAD v4.1: 192 of 1,613,632 alleles (0.012%); highest among the groups gnomAD compares: African/African-American, 0.24%; no homozygotes.

Submissions (7):

Labcorp Genetics (formerly Invitae), Labcorp
Classification: Likely benign. Last evaluated: 2025-12-24. Review status: criteria provided, single submitter. Criteria: Invitae Variant Classification Sherloc (09022015). Collection method: clinical testing. Allele origin: germline.

Blueprint Genetics
Classification: Likely benign. Last evaluated: 2024-08-30. Review status: criteria provided, single submitter. Criteria: ACMG Guidelines, 2015. Collection method: clinical testing. Allele origin: germline.

GeneDx
Classification: Likely benign. Last evaluated: 2021-08-11. Review status: criteria provided, single submitter. Criteria: GeneDx Variant Classification Process June 2021. Collection method: clinical testing. Allele origin: germline. Affected: yes.

Illumina Laboratory Services, Illumina
Classification: Uncertain significance for Usher syndrome type 2C. Last evaluated: 2018-01-13. Review status: criteria provided, single submitter. Criteria: ICSL Variant Classification Criteria 13 December 2019. Collection method: clinical testing. Allele origin: germline.

Eurofins Ntd Llc (ga)
Classification: Uncertain significance. Last evaluated: 2014-12-17. Review status: criteria provided, single submitter. Criteria: EGL Classification Definitions 2015. Collection method: clinical testing. Allele origin: germline. Observed: 1 variant allele, 1 heterozygote.

Laboratory for Molecular Medicine, Mass General Brigham Personalized Medicine
Classification: Likely benign. Last evaluated: 2013-10-05. Review status: criteria provided, single submitter. Criteria: LMM Criteria. Collection method: clinical testing. Allele origin: germline. Observed: 2 variant alleles.
Comment: Ser1761Cys in exon 24 of GPR98: This variant is not expected to have clinical s ignificance because it has been identified in 0.2% (9/3956) African American chr omosomes by the NHLBI Exome Sequencing Project (dbSNP rs200392821).

PreventionGenetics, part of Exact Sciences
Classification: Likely benign for ADGRV1-related condition. Last evaluated: 2024-06-06. Review status: no assertion criteria provided. Collection method: clinical testing. Allele origin: germline. Not counted in ClinVar's aggregate classification.
Comment: This variant is classified as likely benign based on ACMG/AMP sequence variant interpretation guidelines (Richards et al. 2015 PMID: 25741868, with internal and published modifications).